The following is an entry in ClinVar:

ClinVar aggregate classification (germline): Uncertain significance (1 of 4 stars; one submission).

Submission:

Labcorp Genetics (formerly Invitae), Labcorp
Classification: Uncertain significance. Last evaluated: 2021-01-19. Review status: criteria provided, single submitter. Criteria: Invitae Variant Classification Sherloc (09022015). Collection method: clinical testing. Allele origin: germline.
Comment: In summary, the available evidence is currently insufficient to determine the role of this variant in disease. Therefore, it has been classified as a Variant of Uncertain Significance. Experimental studies and prediction algorithms are not available or were not evaluated, and the functional significance of this variant is currently unknown. This variant has not been reported in the literature in individuals with COL18A1-related conditions. This variant is not present in population databases (ExAC no frequency). This sequence change replaces histidine with proline at codon 83 of the COL18A1 protein (p.His83Pro). The histidine residue is moderately conserved and there is a moderate physicochemical difference between histidine and proline.

NM_001379500.1(COL18A1):c.248A>C (p.His83Pro)

Gene: COL18A1 (collagen type XVIII alpha 1 chain; plus strand). Cytogenetic location: 21q22.3.
Variant type: single nucleotide variant.
Coding change: c.248A>C on transcript NM_001379500.1 (MANE Select); coding-DNA position 248, A replaced by C.
Protein change: p.His83Pro; replaces histidine 83 with proline.
Molecular consequence: missense variant.
Genome position (GRCh38, 1-based): chr21:45,468,383, A>C. VCF-style: chr21-45468383-A-C. GRCh37 (hg19) VCF-style: chr21-46888297-A-C.
Other names: c.788A>C, p.His263Pro (NM_030582.4); c.1493A>C, p.His498Pro (NM_130444.3); short protein forms H498P, H263P, H83P.
Identifiers: ClinVar variation 1366151 (VCV001366151.6), dbSNP rs2035293003, ClinGen allele CA410511652.